The following is an entry in ClinVar:

NM_213600.4(PLA2G4F):c.2013C>G (p.Pro671=)

Gene: PLA2G4F (phospholipase A2 group IVF; minus strand). Cytogenetic location: 15q15.1.
Variant type: single nucleotide variant.
Coding change: c.2013C>G on transcript NM_213600.4 (MANE Select); coding-DNA position 2013, C replaced by G.
Protein change: p.Pro671=; no amino-acid change (proline 671 retained).
Molecular consequence: synonymous variant. On other transcripts: non-coding transcript variant (1).
Genome position (GRCh38, 1-based): chr15:42,144,107, G>C on the plus strand (C>G on the coding strand, the complement: PLA2G4F is on the minus strand). VCF-style: chr15-42144107-G-C. GRCh37 (hg19) VCF-style: chr15-42436305-G-C.
Identifiers: ClinVar variation 2645235 (VCV002645235.24), dbSNP rs200735729, ClinGen allele CA7507286.

ClinVar aggregate classification (germline): Likely benign (1 of 4 stars; one submission).

Allele frequency attached by ClinVar (database versions not stated): ExAC 0.00023; 1000 Genomes Project 0.00180; 1000 Genomes Project 30x 0.00187.
gnomAD v4.1: 140 of 1,613,604 alleles (0.0087%); highest among the groups gnomAD compares: East Asian, 0.14%; 1 homozygote.

Submission:

CeGaT Center for Human Genetics Tuebingen
Classification: Likely benign. Last evaluated: 2022-11-01. Review status: criteria provided, single submitter. Criteria: CeGaT Center For Human Genetics Tuebingen Variant Classification Criteria Version 2. Collection method: clinical testing. Allele origin: germline. Affected: yes. Observed: 1 variant allele.
Comment: PLA2G4F: BP4, BP7